The following is an entry in ClinVar:

ClinVar aggregate classification (germline): Uncertain significance (1 of 4 stars; one submission).

Conditions:
Hereditary nonpolyposis colorectal neoplasms. Identifiers: MedGen C0009405, MeSH D003123.

Submission:

Labcorp Genetics (formerly Invitae), Labcorp
Classification: Uncertain significance for Hereditary nonpolyposis colorectal neoplasms. Last evaluated: 2019-05-30. Review status: criteria provided, single submitter. Criteria: Invitae Variant Classification Sherloc (09022015). Collection method: clinical testing. Allele origin: germline.
Comment: In summary, the available evidence is currently insufficient to determine the role of this variant in disease. Therefore, it has been classified as a Variant of Uncertain Significance. Algorithms developed to predict the effect of missense changes on protein structure and function (SIFT, PolyPhen-2, Align-GVGD) all suggest that this variant is likely to be disruptive, but these predictions have not been confirmed by published functional studies and their clinical significance is uncertain. This variant has not been reported in the literature in individuals with MSH6-related conditions. This variant is not present in population databases (ExAC no frequency). This sequence change replaces aspartic acid with alanine at codon 917 of the MSH6 protein (p.Asp917Ala). The aspartic acid residue is highly conserved and there is a moderate physicochemical difference between aspartic acid and alanine.

NM_000179.3(MSH6):c.2750A>C (p.Asp917Ala)

Gene: MSH6 (mutS homolog 6; plus strand). Cytogenetic location: 2p16.3.
Variant type: single nucleotide variant.
Coding change: c.2750A>C on transcript NM_000179.3 (MANE Select); coding-DNA position 2750, A replaced by C.
Protein change: p.Asp917Ala; replaces aspartic acid 917 with alanine.
Molecular consequence: missense variant.
Genome position (GRCh38, 1-based): chr2:47,800,733, A>C. VCF-style: chr2-47800733-A-C. GRCh37 (hg19) VCF-style: chr2-48027872-A-C.
Other names: c.2360A>C, p.Asp787Ala (NM_001281492.2); c.1844A>C, p.Asp615Ala (NM_001281493.2, NM_001281494.2); short protein forms D787A, D917A, D615A.
Identifiers: ClinVar variation 851440 (VCV000851440.10), dbSNP rs1669506919, ClinGen allele CA346755416.
Genomic context (GRCh38, chr2:47,800,733, plus strand): 5'-ATCCTGAAGGTCGTTTTCCTGATTTGACTGTAGAATTGAACCGATGGGATACAGCCTTTG[A>C]CCATGAAAAGGCTCGAAAGACTGGACTTATTACTCCCAAAGCAGGCTTTGACTCTGATTA-3'
Protein context (NP_000170.1, residues 907-927): VELNRWDTAF[Asp917Ala]HEKARKTGLI